The following is an entry in ClinVar:

NM_205834.4(LSR):c.1156G>T (p.Val386Phe)

Gene: LSR (lipolysis stimulated lipoprotein receptor; plus strand). Cytogenetic location: 19q13.12.
Variant type: single nucleotide variant.
Coding change: c.1156G>T on transcript NM_205834.4 (MANE Select); coding-DNA position 1156, G replaced by T.
Protein change: p.Val386Phe; replaces valine 386 with phenylalanine.
Molecular consequence: missense variant.
Genome position (GRCh38, 1-based): chr19:35,267,120, G>T. VCF-style: chr19-35267120-G-T. GRCh37 (hg19) VCF-style: chr19-35758023-G-T.
Other names: c.1096G>T, p.Val366Phe (NM_001260489.2); c.832G>T, p.Val278Phe (NM_001260490.2); c.949G>T, p.Val317Phe (NM_001385215.1); c.1099G>T, p.Val367Phe (NM_015925.7); c.952G>T, p.Val318Phe (NM_205835.4); short protein forms V317F, V367F, V386F, V318F, V278F, V366F.
Identifiers: ClinVar variation 2126421 (VCV002126421.4), dbSNP rs748885941, ClinGen allele CA405289269.

ClinVar aggregate classification (germline): Uncertain significance (1 of 4 stars; one submission).

Submission:

Labcorp Genetics (formerly Invitae), Labcorp
Classification: Uncertain significance. Last evaluated: 2022-09-09. Review status: criteria provided, single submitter. Criteria: Invitae Variant Classification Sherloc (09022015). Collection method: clinical testing. Allele origin: germline.
Comment: This sequence change replaces valine, which is neutral and non-polar, with phenylalanine, which is neutral and non-polar, at codon 434 of the LSR protein (p.Val434Phe). This variant is not present in population databases (gnomAD no frequency). This variant has not been reported in the literature in individuals affected with LSR-related conditions. Algorithms developed to predict the effect of missense changes on protein structure and function are either unavailable or do not agree on the potential impact of this missense change (SIFT: "Deleterious"; PolyPhen-2: "Possibly Damaging"; Align-GVGD: "Class C0"). In summary, the available evidence is currently insufficient to determine the role of this variant in disease. Therefore, it has been classified as a Variant of Uncertain Significance.